The following is an entry in ClinVar:

ClinVar aggregate classification (germline): Likely benign (1 of 4 stars; one submission).

Submission:

CeGaT Center for Human Genetics Tuebingen
Classification: Likely benign. Last evaluated: 2025-03-01. Review status: criteria provided, single submitter. Criteria: CeGaT Center For Human Genetics Tuebingen Variant Classification Criteria Version 2. Collection method: clinical testing. Allele origin: germline. Affected: yes. Observed: 1 variant allele.
Comment: POGZ: BP4, BP7

NM_015100.4(POGZ):c.2481C>T (p.Gly827=)

Gene: POGZ (pogo transposable element derived with ZNF domain; minus strand). Cytogenetic location: 1q21.3.
Variant type: single nucleotide variant.
Coding change: c.2481C>T on transcript NM_015100.4 (MANE Select); coding-DNA position 2481, C replaced by T.
Protein change: p.Gly827=; no amino-acid change (glycine 827 retained).
Molecular consequence: synonymous variant.
Genome position (GRCh38, 1-based): chr1:151,406,975, G>A on the plus strand (C>T on the coding strand, the complement: POGZ is on the minus strand). VCF-style: chr1-151406975-G-A. GRCh37 (hg19) VCF-style: chr1-151379451-G-A.
Other names: c.2454C>T, p.Gly818= (NM_001194937.2); c.2295C>T, p.Gly765= (NM_001194938.2); c.2502C>T, p.Gly834= (NM_001410860.1); c.2196C>T, p.Gly732= (NM_145796.4); c.2322C>T, p.Gly774= (NM_207171.2).
Identifiers: ClinVar variation 3778130 (VCV003778130.7).